The following is an entry in ClinVar:

ClinVar aggregate classification (germline): Uncertain significance (1 of 4 stars; one submission).

Submission:

GeneDx
Classification: Uncertain significance. Last evaluated: 2024-09-20. Review status: criteria provided, single submitter. Criteria: GeneDx Variant Classification Process June 2021. Collection method: clinical testing. Allele origin: germline. Affected: yes.
Comment: Not observed at significant frequency in large population cohorts (gnomAD); In silico analysis supports that this missense variant has a deleterious effect on protein structure/function; Has not been previously published as pathogenic or benign to our knowledge

NM_001349798.2(FBXW7):c.1861A>T (p.Asn621Tyr)

Gene: FBXW7 (F-box and WD repeat domain containing 7; minus strand). Cytogenetic location: 4q31.3.
Variant type: single nucleotide variant.
Coding change: c.1861A>T on transcript NM_001349798.2 (MANE Select); coding-DNA position 1861, A replaced by T.
Protein change: p.Asn621Tyr; replaces asparagine 621 with tyrosine.
Molecular consequence: missense variant.
Genome position (GRCh38, 1-based): chr4:152,323,144, T>A on the plus strand (A>T on the coding strand, the complement: FBXW7 is on the minus strand). VCF-style: chr4-152323144-T-A. GRCh37 (hg19) VCF-style: chr4-153244296-T-A.
Other names: c.1507A>T, p.Asn503Tyr (NM_001013415.2); c.1621A>T, p.Asn541Tyr (NM_018315.5); c.1861A>T, p.Asn621Tyr (NM_033632.3); short protein forms N503Y, N541Y, N621Y.
Identifiers: ClinVar variation 3774006 (VCV003774006.1).